The following is an entry in ClinVar:

ClinVar aggregate classification (germline): Likely benign (0 of 4 stars; one submission).

Conditions:
PCSK1-related disorder. Also called: PCSK1-related condition.

gnomAD v4.1: 1 of 1,612,230 alleles (0.000062%); highest among the groups gnomAD compares: Admixed American, 0.0017%; no homozygotes.

Submission:

PreventionGenetics, part of Exact Sciences
Classification: Likely benign for PCSK1-related condition. Last evaluated: 2024-08-06. Review status: no assertion criteria provided. Collection method: clinical testing. Allele origin: germline.
Comment: This variant is classified as likely benign based on ACMG/AMP sequence variant interpretation guidelines (Richards et al. 2015 PMID: 25741868, with internal and published modifications).

NM_000439.5(PCSK1):c.1458C>T (p.Ile486=)

Genes: CAST (calpastatin; plus strand), PCSK1 (proprotein convertase subtilisin/kexin type 1; minus strand), LOC101929710 (uncharacterized LOC101929710; plus strand). Cytogenetic location: 5q15.
Variant type: single nucleotide variant.
Coding change: c.1458C>T on transcript NM_000439.5 (MANE Select); coding-DNA position 1458, C replaced by T.
Protein change: p.Ile486=; no amino-acid change (isoleucine 486 retained).
Molecular consequence: synonymous variant. On other transcripts: intron variant (11).
Genome position (GRCh38, 1-based): chr5:96,399,009, G>A on the plus strand (C>T on the coding strand, the complement: PCSK1 is on the minus strand). VCF-style: chr5-96399009-G-A. GRCh37 (hg19) VCF-style: chr5-95734713-G-A.
Other names: c.1317C>T, p.Ile439= (NM_001177875.2); c.-175+19357G>A (NM_001423254.1, NM_001423259.1, NM_001423255.1 and 6 more transcripts); c.-103+19357G>A (NM_001423253.1); c.-40+19357G>A (NM_001423258.1).
Identifiers: ClinVar variation 3345812 (VCV003345812.1).